The following is an entry in ClinVar:

ClinVar aggregate classification (germline): Uncertain significance. Review status: criteria provided, multiple submitters, no conflicts (2 of 4 stars). 3 submissions from 3 submitters: Uncertain significance (3). Last evaluated 2025-10-09.

Conditions:
Hereditary cancer-predisposing syndrome. Also called: Tumor predisposition; Neoplastic Syndromes, Hereditary; Hereditary Cancer Syndrome; Hereditary neoplastic syndrome. Identifiers: Orphanet 140162, MedGen C0027672, MeSH D009386, MONDO:0015356.
Ataxia-telangiectasia syndrome (AT). Also called: Ataxia-telangiectasia; LOUIS-BAR SYNDROME; Ataxia-telangiectasia, complementation group D; AT, COMPLEMENTATION GROUP C; ATAXIA-TELANGIECTASIA, COMPLEMENTATION GROUP A; ATAXIA-TELANGIECTASIA, FRESNO VARIANT. Identifiers: Orphanet 100, MedGen C0004135, MONDO:0008840, OMIM 208900.

Allele frequency attached by ClinVar (database versions not stated): gnomAD exomes below 0.00001.
gnomAD v4.1: 4 of 1,614,194 alleles (0.00025%); highest among the groups gnomAD compares: South Asian, 0.0011%; no homozygotes.

Submissions (3):

Ambry Genetics
Classification: Uncertain significance for Hereditary cancer-predisposing syndrome. Last evaluated: 2025-10-09. Review status: criteria provided, single submitter. Criteria: Ambry Variant Classification Scheme 2023. Collection method: clinical testing. Allele origin: germline.
Comment: The p.E2181K variant (also known as c.6541G>A), located in coding exon 44 of the ATM gene, results from a G to A substitution at nucleotide position 6541. The glutamic acid at codon 2181 is replaced by lysine, an amino acid with similar properties. In an assay testing ATM function, this variant showed a functionally abnormal result (Lee KS et al. Cell, 2025 Sep;188:5081-5099.e27). This amino acid position is highly conserved in available vertebrate species. In addition, this alteration is predicted to be deleterious by in silico analysis. Based on the available evidence, the clinical significance of this variant remains unclear.

Labcorp Genetics (formerly Invitae), Labcorp
Classification: Uncertain significance for Ataxia-telangiectasia syndrome. Last evaluated: 2024-06-20. Review status: criteria provided, single submitter. Criteria: Invitae Variant Classification Sherloc (09022015). Collection method: clinical testing. Allele origin: germline.
Comment: This sequence change replaces glutamic acid, which is acidic and polar, with lysine, which is basic and polar, at codon 2181 of the ATM protein (p.Glu2181Lys). This variant is not present in population databases (gnomAD no frequency). This variant has not been reported in the literature in individuals affected with ATM-related conditions. ClinVar contains an entry for this variant (Variation ID: 1339163). An algorithm developed to predict the effect of missense changes on protein structure and function (PolyPhen-2) suggests that this variant is likely to be disruptive. In summary, the available evidence is currently insufficient to determine the role of this variant in disease. Therefore, it has been classified as a Variant of Uncertain Significance.

Neuberg Centre For Genomic Medicine, NCGM
Classification: Uncertain significance for Ataxia-telangiectasia syndrome. Review status: criteria provided, single submitter. Criteria: ACMG Guidelines, 2015. Collection method: clinical testing. Allele origin: germline. Affected: yes.
Comment: The missense variant p.E2181K in ATM (NM_000051.4) has not been reported previously as a pathogenic variant nor as a benign variant, to our knowledge. The p.E2181K variant is novel (not in any individuals) in gnomAD Exomes and is novel (not in any individuals) in 1000 Genomes. The p.E2181K missense variant is predicted to be damaging by both SIFT and PolyPhen2. The glutamic acid residue at codon 2181 of ATM is conserved in all mammalian species. The nucleotide c.6541 in ATM is predicted conserved by GERP++ and PhyloP across 100 vertebrates. For these reasons, this variant has been classified as Uncertain Significance.

Literature cited by the submitters: PubMed 40580951 (cited by Ambry Genetics).

NM_000051.4(ATM):c.6541G>A (p.Glu2181Lys)

Genes: ATM (ATM serine/threonine kinase; plus strand), C11orf65 (chromosome 11 open reading frame 65; minus strand). Cytogenetic location: 11q22.3.
Variant type: single nucleotide variant.
Coding change: c.6541G>A on transcript NM_000051.4 (MANE Select); coding-DNA position 6541, G replaced by A.
Protein change: p.Glu2181Lys; replaces glutamic acid 2181 with lysine.
Molecular consequence: missense variant. On other transcripts: intron variant (2).
Genome position (GRCh38, 1-based): chr11:108,321,389, G>A. VCF-style: chr11-108321389-G-A. GRCh37 (hg19) VCF-style: chr11-108192116-G-A.
Other names: c.[6541G>A] (NM_000051.3); c.6541G>A, p.Glu2181Lys (NM_001351834.2); c.641-12318C>T (NM_001330368.2); c.*39-12318C>T (NM_001351110.2); short protein forms E2181K.
Identifiers: ClinVar variation 1339163 (VCV001339163.11), dbSNP rs2136242185, ClinGen allele CA382554283.